The following is an entry in ClinVar:

ClinVar aggregate classification (germline): Uncertain significance. Review status: criteria provided, multiple submitters, no conflicts (2 of 4 stars). 2 submissions from 2 submitters: Uncertain significance (2). Last evaluated 2025-10-18.

Conditions:
Inborn genetic diseases. Identifiers: MedGen C0950123, MeSH D030342.

Allele frequency attached by ClinVar (database versions not stated): gnomAD exomes below 0.00001; ExAC 0.00001; gnomAD 0.00001; TOPMed 0.00002.
gnomAD v4.1: 9 of 1,609,286 alleles (0.00056%); highest among the groups gnomAD compares: Admixed American, 0.0068%; no homozygotes.

Submissions (2):

Ambry Genetics
Classification: Uncertain significance for Inborn genetic diseases. Last evaluated: 2025-10-18. Review status: criteria provided, single submitter. Criteria: Ambry Variant Classification Scheme 2023. Collection method: clinical testing. Allele origin: germline.

Labcorp Genetics (formerly Invitae), Labcorp
Classification: Uncertain significance. Last evaluated: 2023-04-24. Review status: criteria provided, single submitter. Criteria: Invitae Variant Classification Sherloc (09022015). Collection method: clinical testing. Allele origin: germline.
Comment: In summary, the available evidence is currently insufficient to determine the role of this variant in disease. Therefore, it has been classified as a Variant of Uncertain Significance. Algorithms developed to predict the effect of missense changes on protein structure and function output the following: SIFT: "Not Available"; PolyPhen-2: "Benign"; Align-GVGD: "Not Available". The alanine amino acid residue is found in multiple mammalian species, which suggests that this missense change does not adversely affect protein function. ClinVar contains an entry for this variant (Variation ID: 1924541). This variant has not been reported in the literature in individuals affected with MPDZ-related conditions. This variant is present in population databases (rs780342892, gnomAD 0.003%). This sequence change replaces threonine, which is neutral and polar, with alanine, which is neutral and non-polar, at codon 477 of the MPDZ protein (p.Thr477Ala).

NM_001378778.1(MPDZ):c.1429A>G (p.Thr477Ala)

Gene: MPDZ (multiple PDZ domain crumbs cell polarity complex component; minus strand). Cytogenetic location: 9p23.
Variant type: single nucleotide variant.
Coding change: c.1429A>G on transcript NM_001378778.1 (MANE Select); coding-DNA position 1429, A replaced by G.
Protein change: p.Thr477Ala; replaces threonine 477 with alanine.
Molecular consequence: missense variant.
Genome position (GRCh38, 1-based): chr9:13,205,961, T>C on the plus strand (A>G on the coding strand, the complement: MPDZ is on the minus strand). VCF-style: chr9-13205961-T-C. GRCh37 (hg19) VCF-style: chr9-13205960-T-C.
Other names: c.1429A>G, p.Thr477Ala (NM_001261406.2, NM_001261407.2, NM_001330637.2 and 14 more transcripts); c.1429A>G (NM_003829.3); short protein forms T477A.
Identifiers: ClinVar variation 1924541 (VCV001924541.6), dbSNP rs780342892, ClinGen allele CA4987785.